The following is an entry in ClinVar:

NM_001194998.2(CEP152):c.4033A>G (p.Met1345Val)

Gene: CEP152 (centrosomal protein 152; minus strand). Cytogenetic location: 15q21.1.
Variant type: single nucleotide variant.
Coding change: c.4033A>G on transcript NM_001194998.2 (MANE Select); coding-DNA position 4033, A replaced by G.
Protein change: p.Met1345Val; replaces methionine 1345 with valine.
Molecular consequence: missense variant.
Genome position (GRCh38, 1-based): chr15:48,741,661, T>C on the plus strand (A>G on the coding strand, the complement: CEP152 is on the minus strand). VCF-style: chr15-48741661-T-C. GRCh37 (hg19) VCF-style: chr15-49033858-T-C.
Other names: c.3865A>G, p.Met1289Val (NM_014985.4); short protein forms M1345V, M1289V.
Identifiers: ClinVar variation 1473522 (VCV001473522.5), dbSNP rs975575516, ClinGen allele CA269524531.

ClinVar aggregate classification (germline): Uncertain significance (1 of 4 stars; one submission).

Submission:

Labcorp Genetics (formerly Invitae), Labcorp
Classification: Uncertain significance. Last evaluated: 2021-09-24. Review status: criteria provided, single submitter. Criteria: Invitae Variant Classification Sherloc (09022015). Collection method: clinical testing. Allele origin: germline.
Comment: This sequence change replaces methionine with valine at codon 1289 of the CEP152 protein (p.Met1289Val). The methionine residue is highly conserved and there is a small physicochemical difference between methionine and valine. This variant is not present in population databases (ExAC no frequency). This variant has not been reported in the literature in individuals with CEP152-related conditions. Algorithms developed to predict the effect of missense changes on protein structure and function are either unavailable or do not agree on the potential impact of this missense change (SIFT: "Deleterious"; PolyPhen-2: "Benign"; Align-GVGD: "Class C15"). In summary, the available evidence is currently insufficient to determine the role of this variant in disease. Therefore, it has been classified as a Variant of Uncertain Significance.